The following is an entry in ClinVar:

NM_002795.4(PSMB3):c.480G>A (p.Pro160=)

Gene: PSMB3 (proteasome 20S subunit beta 3; plus strand). Cytogenetic location: 17q12.
Variant type: single nucleotide variant.
Coding change: c.480G>A on transcript NM_002795.4 (MANE Select); coding-DNA position 480, G replaced by A.
Protein change: p.Pro160=; no amino-acid change (proline 160 retained).
Molecular consequence: synonymous variant. On other transcripts: non-coding transcript variant (2).
Genome position (GRCh38, 1-based): chr17:38,762,416, G>A. VCF-style: chr17-38762416-G-A. GRCh37 (hg19) VCF-style: chr17-36918669-G-A.
Identifiers: ClinVar variation 2647707 (VCV002647707.24), dbSNP rs138004688, ClinGen allele CA8525401.
Genomic context (GRCh38, chr17:38,762,416, plus strand): 5'-CAGACCAAATCAGAGCCAGAGGCTGTGGTTTGAAGGGGTTCCACTCTGTTGGCAGGATCC[G>A]GATCACCTGTTTGAAACCATCTCCCAAGCCATGCTGAATGCTGTGGACCGGGATGCAGTG-3'
Protein context (NP_002786.2, residues 150-170): CESLWEPNMD[Pro160=]DHLFETISQA

ClinVar aggregate classification (germline): Likely benign (1 of 4 stars; one submission).

Allele frequency attached by ClinVar (database versions not stated): gnomAD exomes 0.00001; ExAC 0.00002; gnomAD 0.00003; TOPMed 0.00004; ESP Exome Variant Server 0.00008.
gnomAD v4.1: 21 of 1,613,878 alleles (0.0013%); highest among the groups gnomAD compares: South Asian, 0.0044%; no homozygotes.

Submission:

CeGaT Center for Human Genetics Tuebingen
Classification: Likely benign. Last evaluated: 2023-03-01. Review status: criteria provided, single submitter. Criteria: CeGaT Center For Human Genetics Tuebingen Variant Classification Criteria Version 2. Collection method: clinical testing. Allele origin: germline. Affected: yes. Observed: 1 variant allele.
Comment: PSMB3: BP4, BP7